The following is an entry in ClinVar:

NM_006031.6(PCNT):c.406_444dup (p.Val148_Ser149insGlyAspHisProProGluGlnArgGlyMetPheThrVal)

Gene: PCNT (pericentrin; plus strand). Cytogenetic location: 21q22.3.
Variant type: Duplication.
Coding change: c.406_444dup on transcript NM_006031.6 (MANE Select); coding-DNA positions 406 to 444, 39 bases duplicated.
Protein change: p.Val148_Ser149insGlyAspHisProProGluGlnArgGlyMetPheThrVal.
Molecular consequence: inframe insertion.
Genome position (GRCh38, 1-based): chr21:46,334,535-46,334,573, 39 bases duplicated; duplicating any 39 consecutive bases within chr21:46,334,519-46,334,573 gives the same sequence; the c. name uses the placement nearest the transcript's 3' end. GRCh37 (hg19): chr21:47,754,449-47,754,487.
Other names: c.52_90dup, p.Val30_Ser31insGlyAspHisProProGluGlnArgGlyMetPheThrVal (NM_001315529.2); c.406_444dup39 (NM_006031.5).
Identifiers: ClinVar variation 2162686 (VCV002162686.5), dbSNP rs748692891, ClinGen allele CA10078241.

ClinVar aggregate classification (germline): Uncertain significance. Review status: criteria provided, multiple submitters, no conflicts (2 of 4 stars). 2 submissions from 2 submitters: Uncertain significance (2). Last evaluated 2026-06-04.

Conditions:
PCNT-related disorder. Also called: PCNT-related condition.

Submissions (2):

PreventionGenetics, part of Exact Sciences
Classification: Uncertain significance for PCNT-related condition. Last evaluated: 2026-06-04. Review status: criteria provided, single submitter. Criteria: ACMG Guidelines, 2015. Collection method: clinical testing. Allele origin: germline.
Comment: The PCNT c.406_444dup39 variant is predicted to result in an in-frame duplication (p.Gly136_Val148dup). To our knowledge, this variant has not been reported in the literature. This variant is reported in 0.025% of alleles in individuals of African descent in gnomAD. At this time, the clinical significance of this variant is uncertain due to the absence of conclusive functional and genetic evidence.

Labcorp Genetics (formerly Invitae), Labcorp
Classification: Uncertain significance. Last evaluated: 2022-03-14. Review status: criteria provided, single submitter. Criteria: Invitae Variant Classification Sherloc (09022015). Collection method: clinical testing. Allele origin: germline.
Comment: This variant, c.406_444dup, results in the insertion of 13 amino acid(s) of the PCNT protein (p.Gly136_Val148dup), but otherwise preserves the integrity of the reading frame. The frequency data for this variant in the population databases is considered unreliable, as metrics indicate poor data quality at this position in the gnomAD database. This variant has not been reported in the literature in individuals affected with PCNT-related conditions. Algorithms developed to predict the effect of sequence changes on RNA splicing suggest that this variant may create or strengthen a splice site. In summary, the available evidence is currently insufficient to determine the role of this variant in disease. Therefore, it has been classified as a Variant of Uncertain Significance.